The following is an entry in ClinVar:

NC_000017.10:g.(?_66508520)_(66519077_?)dup

Gene: PRKAR1A (protein kinase cAMP-dependent type I regulatory subunit alpha; plus strand). Cytogenetic location: 17q24.2.
Variant type: Duplication.
Identifiers: ClinVar variation 1511969 (VCV001511969.4).

ClinVar aggregate classification (germline): Uncertain significance (1 of 4 stars; one submission).

Conditions:
Carney complex, type 1 (CNC1). Also called: CARNEY MYXOMA-ENDOCRINE COMPLEX; CARNEY COMPLEX, TYPE I. Identifiers: Orphanet 1359, MedGen C2607929, MONDO:0008057, OMIM 160980.

Submission:

Labcorp Genetics (formerly Invitae), Labcorp
Classification: Uncertain significance for Carney complex, type 1. Last evaluated: 2021-02-21. Review status: criteria provided, single submitter. Criteria: Invitae Variant Classification Sherloc (09022015). Collection method: clinical testing. Allele origin: germline.
Comment: In summary, the available evidence is currently insufficient to determine the role of this variant in disease. Therefore, it has been classified as a Variant of Uncertain Significance. Experimental studies and prediction algorithms are not available or were not evaluated, and the functional significance of this variant is currently unknown. This variant has not been reported in the literature in individuals with PRKAR1A-related conditions. This variant results in a copy number gain of the genomic region encompassing exon(s) 1-3 of the PRKAR1A gene. This region includes the initiator codon of the gene. The 5' end of this event is unknown as it extends beyond the assayed region for this gene and therefore may encompass additional genes. The 3' boundary is likely confined to intron 3 of the PRKAR1A gene. As the precise location of this event is unknown, it may be in tandem or it may be located elsewhere in the genome.